The following is an entry in ClinVar:

ClinVar aggregate classification (germline): Uncertain significance (1 of 4 stars; one submission).

Conditions:
Cardiovascular phenotype. Identifiers: MedGen CN230736.

gnomAD v4.1: 3 of 1,612,618 alleles (0.00019%); highest among the groups gnomAD compares: African/African-American, 0.004%; no homozygotes.

Submission:

Ambry Genetics
Classification: Uncertain significance for Cardiovascular phenotype. Last evaluated: 2026-06-22. Review status: criteria provided, single submitter. Criteria: Ambry Variant Classification Scheme 2023. Collection method: clinical testing. Allele origin: germline.
Comment: The p.Q299R variant (also known as c.896A>G), located in coding exon 6 of the LMF1 gene, results from an A to G substitution at nucleotide position 896. The glutamine at codon 299 is replaced by arginine, an amino acid with highly similar properties. This amino acid position is highly conserved in available vertebrate species. In addition, the in silico prediction for this alteration is inconclusive. Based on the available evidence, the clinical significance of this variant remains unclear.

NM_022773.4(LMF1):c.896A>G (p.Gln299Arg)

Gene: LMF1 (lipase maturation factor 1; minus strand). Cytogenetic location: 16p13.3.
Variant type: single nucleotide variant.
Coding change: c.896A>G on transcript NM_022773.4 (MANE Select); coding-DNA position 896, A replaced by G.
Protein change: p.Gln299Arg; replaces glutamine 299 with arginine.
Molecular consequence: missense variant. On other transcripts: non-coding transcript variant (1).
Genome position (GRCh38, 1-based): chr16:879,571, T>C on the plus strand (A>G on the coding strand, the complement: LMF1 is on the minus strand). VCF-style: chr16-879571-T-C. GRCh37 (hg19) VCF-style: chr16-929571-T-C.
Other names: c.245A>G, p.Gln82Arg (NM_001352017.2, NM_001352021.2); c.497A>G, p.Gln166Arg (NM_001352018.2); c.569A>G, p.Gln190Arg (NM_001352019.2); c.896A>G, p.Gln299Arg (NM_001352020.1); short protein forms Q166R, Q82R, Q190R, Q299R.
Identifiers: ClinVar variation 5023594 (VCV005023594.1).
Genomic context (GRCh38, chr16:879,571, plus strand): 5'-ATAGGGCGACGGGCCAGCGTCTCTGTGGACACGGGGCAGGGCGGGCGGCGCGGGCTCACC[T>C]GGAACAGGATCTGCAGCACCCCGTGGATGATGCACGCCCGCCGGCCGAGGAAGAGGAAGA-3'
Protein context (NP_073610.2, residues 289-309): IIHGVLQILF[Gln299Arg]AVLIVSGNLS